The following is an entry in ClinVar:

NM_017780.4(CHD7):c.3779-217G>A

Gene: CHD7 (chromodomain helicase DNA binding protein 7; plus strand). Cytogenetic location: 8q12.2.
Variant type: single nucleotide variant.
Coding change: c.3779-217G>A on transcript NM_017780.4 (MANE Select); 217 bases into the intron before coding-DNA position 3779, G replaced by A.
Molecular consequence: intron variant.
Genome position (GRCh38, 1-based): chr8:60,835,856, G>A. VCF-style: chr8-60835856-G-A. GRCh37 (hg19) VCF-style: chr8-61748415-G-A.
Other names: c.1717-26373G>A (NM_001316690.1).
Identifiers: ClinVar variation 676810 (VCV000676810.1), dbSNP rs6471905, ClinGen allele CA12764098.

ClinVar aggregate classification (germline): Benign (1 of 4 stars; one submission).

Allele frequency attached by ClinVar (database versions not stated): TOPMed 0.82201; gnomAD 0.82328 and 0.82596; 1000 Genomes Project 30x 0.88039; 1000 Genomes Project 0.88399.
gnomAD v4.1: 125,507 of 152,162 alleles (82%); highest among the groups gnomAD compares: East Asian, 94%; 52,270 homozygotes.

Submission:

GeneDx
Classification: Benign. Last evaluated: 2018-06-19. Review status: criteria provided, single submitter. Criteria: GeneDx Variant Classification (06012015). Collection method: clinical testing. Allele origin: germline. Affected: yes.
Comment: This variant is considered likely benign or benign based on one or more of the following criteria: it is a conservative change, it occurs at a poorly conserved position in the protein, it is predicted to be benign by multiple in silico algorithms, and/or has population frequency not consistent with disease.